The following is an entry in ClinVar:

NM_001101426.4(CRPPA):c.693C>A (p.Asp231Glu)

Gene: CRPPA (CDP-L-ribitol pyrophosphorylase A; minus strand). Cytogenetic location: 7p21.2.
Variant type: single nucleotide variant.
Coding change: c.693C>A on transcript NM_001101426.4 (MANE Select); coding-DNA position 693, C replaced by A.
Protein change: p.Asp231Glu; replaces aspartic acid 231 with glutamic acid.
Molecular consequence: missense variant. On other transcripts: intron variant (1).
Genome position (GRCh38, 1-based): chr7:16,308,619, G>T on the plus strand (C>A on the coding strand, the complement: CRPPA is on the minus strand). VCF-style: chr7-16308619-G-T. GRCh37 (hg19) VCF-style: chr7-16348244-G-T.
Other names: c.543C>A, p.Asp181Glu (NM_001101417.4); c.685-7153C>A (NM_001368197.1); short protein forms D231E, D181E.
Identifiers: ClinVar variation 473156 (VCV000473156.13), dbSNP rs770257307, ClinGen allele CA4169526.
Genomic context (GRCh38, chr7:16,308,619, plus strand): 5'-TTTAGTGCAACAGTATTTTAGGGCCAATTGCAAACACTCAGTTCCAAATTCCAAGTCATA[G>T]TCACTACACTGGTGTGGAAACAACAACAACAACAATTAAGCTAAAATGCGATTTTAAGTA-3'
Protein context (NP_001094896.1, residues 221-241): VIYEAYQQCS[Asp231Glu]YDLEFGTECL

ClinVar aggregate classification (germline): Conflicting classifications of pathogenicity. Review status: criteria provided, conflicting classifications (1 of 4 stars). 4 submissions from 4 submitters: Uncertain significance (3); Likely benign (1). Last evaluated 2025-03-03.

Conditions:
Autosomal recessive limb-girdle muscular dystrophy type 2U. Also called: MUSCULAR DYSTROPHY, LIMB-GIRDLE, TYPE 2U; Muscular dystrophy-dystroglycanopathy (limb-girdle), type c, 7. Identifiers: Orphanet 352479, MedGen C5190987, MONDO:0014474, OMIM 616052.
Muscular dystrophy-dystroglycanopathy (congenital with brain and eye anomalies), type A, 7. Also called: WALKER-WARBURG SYNDROME OR MUSCLE-EYE-BRAIN DISEASE, ISPD-RELATED; Congenital muscular dystrophy-dystroglycanopathy with brain and eye anomalies, type A7. Identifiers: Orphanet 899, MedGen C3553330, MONDO:0013835, OMIM 614643.

Allele frequency attached by ClinVar (database versions not stated): ExAC 0.00004; gnomAD exomes 0.00007; gnomAD 0.00016 and 0.00019; TOPMed 0.00020.
gnomAD v4.1: 64 of 1,589,176 alleles (0.004%); highest among the groups gnomAD compares: Admixed American, 0.056%; no homozygotes.

Submissions (4):

Revvity Omics, Revvity
Classification: Uncertain significance. Last evaluated: 2025-03-03. Review status: criteria provided, single submitter. Criteria: ACMG Guidelines, 2015. Collection method: clinical testing. Allele origin: germline.

Labcorp Genetics (formerly Invitae), Labcorp
Classification: Uncertain significance for Muscular dystrophy-dystroglycanopathy (congenital with brain and eye anomalies), type A, 7; Autosomal recessive limb-girdle muscular dystrophy type 2U. Last evaluated: 2025-01-06. Review status: criteria provided, single submitter. Criteria: Invitae Variant Classification Sherloc (09022015). Collection method: clinical testing. Allele origin: germline.
Comment: This sequence change replaces aspartic acid, which is acidic and polar, with glutamic acid, which is acidic and polar, at codon 231 of the ISPD protein (p.Asp231Glu). This variant is present in population databases (rs770257307, gnomAD 0.04%). This variant has not been reported in the literature in individuals affected with ISPD-related conditions. ClinVar contains an entry for this variant (Variation ID: 473156). Invitae Evidence Modeling of protein sequence and biophysical properties (such as structural, functional, and spatial information, amino acid conservation, physicochemical variation, residue mobility, and thermodynamic stability) indicates that this missense variant is not expected to disrupt ISPD protein function with a negative predictive value of 80%. In summary, the available evidence is currently insufficient to determine the role of this variant in disease. Therefore, it has been classified as a Variant of Uncertain Significance.

Ambry Genetics
Classification: Uncertain significance. Last evaluated: 2023-04-17. Review status: criteria provided, single submitter. Criteria: Ambry Variant Classification Scheme 2023. Collection method: clinical testing. Allele origin: germline.

GeneDx
Classification: Likely benign. Last evaluated: 2020-09-15. Review status: criteria provided, single submitter. Criteria: GeneDx Variant Classification Process June 2021. Collection method: clinical testing. Allele origin: germline. Affected: yes.